The following is an entry in ClinVar:

NM_003468.4(FZD5):c.712T>G (p.Trp238Gly)

Gene: FZD5 (frizzled class receptor 5; minus strand). Cytogenetic location: 2q33.3.
Variant type: single nucleotide variant.
Coding change: c.712T>G on transcript NM_003468.4 (MANE Select); coding-DNA position 712, T replaced by G.
Protein change: p.Trp238Gly; replaces tryptophan 238 with glycine.
Molecular consequence: missense variant.
Genome position (GRCh38, 1-based): chr2:207,768,028, A>C on the plus strand (T>G on the coding strand, the complement: FZD5 is on the minus strand). VCF-style: chr2-207768028-A-C. GRCh37 (hg19) VCF-style: chr2-208632752-A-C.
Other names: short protein forms W238G.
Identifiers: ClinVar variation 3573898 (VCV003573898.2).

ClinVar aggregate classification (germline): Uncertain significance (1 of 4 stars; one submission).

Submission:

GeneDx
Classification: Uncertain significance. Last evaluated: 2025-01-24. Review status: criteria provided, single submitter. Criteria: GeneDx Variant Classification Process June 2021. Collection method: clinical testing. Allele origin: germline.
Comment: Not observed at significant frequency in large population cohorts (gnomAD); In silico analysis supports that this missense variant has a deleterious effect on protein structure/function; Has not been previously published as pathogenic or benign to our knowledge